The following is an entry in ClinVar:

NM_001374736.1(DST):c.503C>T (p.Ser168Phe)

Genes: DST (dystonin; minus strand), DST-AS1 (DST antisense RNA 1; plus strand). Cytogenetic location: 6p12.1.
Variant type: single nucleotide variant.
Coding change: c.503C>T on transcript NM_001374736.1 (MANE Select); coding-DNA position 503, C replaced by T.
Protein change: p.Ser168Phe; replaces serine 168 with phenylalanine.
Molecular consequence: missense variant. On other transcripts: genic upstream transcript variant (1).
Genome position (GRCh38, 1-based): chr6:56,851,519, G>A on the plus strand (C>T on the coding strand, the complement: DST is on the minus strand). VCF-style: chr6-56851519-G-A. GRCh37 (hg19) VCF-style: chr6-56716317-G-A.
Other names: c.503C>T, p.Ser168Phe (NM_001144769.5, NM_001374722.1); c.89C>T, p.Ser30Phe (NM_001144770.2); c.530C>T, p.Ser177Phe (NM_001374734.1); c.-208731C>T (NM_001723.7); short protein forms S168F, S177F, S30F.
Identifiers: ClinVar variation 2691667 (VCV002691667.1), dbSNP rs2533533600, ClinGen allele CA364618967.

ClinVar aggregate classification (germline): Uncertain significance (1 of 4 stars; one submission).

Submission:

Women's Health and Genetics/Laboratory Corporation of America, LabCorp
Classification: Uncertain significance. Last evaluated: 2023-12-13. Review status: criteria provided, single submitter. Criteria: LabCorp Variant Classification Summary - May 2015. Collection method: clinical testing. Allele origin: germline.
Comment: Variant summary: DST c.-208731C>T is located in the untranscribed region upstream of the DST gene region and corresponds to c.503C>T (p.Ser168Phe) in NM_001144769. The variant was absent in 248626 control chromosomes (gnomAD). The available data on variant occurrences in the general population are insufficient to allow any conclusion about variant significance. To our knowledge, no occurrence of the variant in individuals affected with DST-Related Disorders and no experimental evidence demonstrating its impact on protein function have been reported. No submitters have cited clinical-significance assessments for this variant to ClinVar after 2014. Based on the evidence outlined above, the variant was classified as uncertain significance.